The following is an entry in ClinVar:

ClinVar aggregate classification (germline): Uncertain significance. Review status: criteria provided, multiple submitters, no conflicts (2 of 4 stars). 4 submissions from 4 submitters: Uncertain significance (4). Last evaluated 2024-06-03.

Conditions:
Inborn genetic diseases. Identifiers: MedGen C0950123, MeSH D030342.
Upshaw-Schulman syndrome (TTP). Also called: THROMBOTIC THROMBOCYTOPENIC PURPURA, HEREDITARY; Congenital thrombotic thrombocytopenic purpura. Identifiers: Orphanet 93583, MedGen C1268935, MONDO:0010122, OMIM 274150.

Allele frequency attached by ClinVar (database versions not stated): ExAC 0.00001; gnomAD 0.00001 and 0.00002; gnomAD exomes 0.00001; TOPMed 0.00003.
gnomAD v4.1: 15 of 1,613,246 alleles (0.00093%); highest among the groups gnomAD compares: African/African-American, 0.0053%; no homozygotes.

Submissions (4):

Ambry Genetics
Classification: Uncertain significance for Inborn genetic diseases. Last evaluated: 2024-06-03. Review status: criteria provided, single submitter. Criteria: Ambry Variant Classification Scheme 2023. Collection method: clinical testing. Allele origin: germline.

Labcorp Genetics (formerly Invitae), Labcorp
Classification: Uncertain significance. Last evaluated: 2023-03-04. Review status: criteria provided, single submitter. Criteria: Invitae Variant Classification Sherloc (09022015). Collection method: clinical testing. Allele origin: germline.
Comment: In summary, the available evidence is currently insufficient to determine the role of this variant in disease. Therefore, it has been classified as a Variant of Uncertain Significance. An algorithm developed to predict the effect of missense changes on protein structure and function (PolyPhen-2) suggests that this variant is likely to be disruptive. ClinVar contains an entry for this variant (Variation ID: 916296). This variant has not been reported in the literature in individuals affected with ADAMTS13-related conditions. This variant is present in population databases (rs781885530, gnomAD 0.004%). This sequence change replaces arginine, which is basic and polar, with glutamine, which is neutral and polar, at codon 1206 of the ADAMTS13 protein (p.Arg1206Gln).

Fulgent Genetics
Classification: Uncertain significance for Upshaw-Schulman syndrome. Last evaluated: 2021-11-18. Review status: criteria provided, single submitter. Criteria: ACMG Guidelines, 2015. Collection method: clinical testing. Allele origin: unknown.

CeGaT Center for Human Genetics Tuebingen
Classification: Uncertain significance. Last evaluated: 2020-02-01. Review status: criteria provided, single submitter. Criteria: CeGaT Center For Human Genetics Tuebingen Variant Classification Criteria Version 2. Collection method: clinical testing. Allele origin: germline. Affected: yes. Observed: 1 variant allele.

NM_139027.6(ADAMTS13):c.3449G>A (p.Arg1150Gln)

Gene: ADAMTS13 (ADAM metallopeptidase with thrombospondin type 1 motif 13; plus strand). Cytogenetic location: 9q34.2.
Variant type: single nucleotide variant.
Coding change: c.3449G>A on transcript NM_139027.6 (MANE Select); coding-DNA position 3449, G replaced by A.
Protein change: p.Arg1150Gln; replaces arginine 1150 with glutamine.
Molecular consequence: missense variant. On other transcripts: non-coding transcript variant (1).
Genome position (GRCh38, 1-based): chr9:133,456,117, G>A. VCF-style: chr9-133456117-G-A. GRCh37 (hg19) VCF-style: chr9-136321239-G-A.
Other names: c.3617G>A, p.Arg1206Gln (NM_139025.5); c.3356G>A, p.Arg1119Gln (NM_139026.6); c.3617G>A (NM_139025.3); short protein forms R1150Q, R1119Q, R1206Q.
Identifiers: ClinVar variation 916296 (VCV000916296.43), dbSNP rs781885530, ClinGen allele CA200944757.